The following is an entry in ClinVar:

ClinVar aggregate classification (germline): Pathogenic (1 of 4 stars; one submission).

Conditions:
Sialic acid storage disease, severe infantile type (ISSD). Also called: N-ACETYLNEURAMINIC ACID STORAGE DISEASE; NANA STORAGE DISEASE; INFANTILE SIALIC ACID STORAGE DISORDER; SIALURIA, INFANTILE FORM; Infantile Sialic Acid Storage Disease; Free sialic acid storage disease, infantile form. Identifiers: Orphanet 309324, Orphanet 834, MedGen C1096902, MONDO:0010027, OMIM 269920.

Submission:

Myriad Genetics, Inc.
Classification: Pathogenic for Sialic acid storage disease, severe infantile type. Last evaluated: 2024-12-18. Review status: criteria provided, single submitter. Criteria: Myriad Autosomal Dominant, Autosomal Recessive and X-Linked Classification Criteria (2023). Collection method: clinical testing. Allele origin: unknown.
Comment: NM_012434.4(SLC17A5):c.554_555del2ins13(M185Sfs*31) is expected to be pathogenic in the context of free sialic acid storage disorders. This variant is predicted to lead to an abnormal or absent protein product due to the creation of a premature termination codon in SLC17A5, a gene where loss-of-function variants are known to be pathogenic. Please note: this variant was assessed in the context of healthy population screening.

NM_012434.5(SLC17A5):c.554_555delinsGCCATGCATGCCA (p.Met185fs)

Gene: SLC17A5 (solute carrier family 17 member 5; minus strand). Cytogenetic location: 6q13.
Variant type: Indel.
Coding change: c.554_555delinsGCCATGCATGCCA on transcript NM_012434.5 (MANE Select); coding-DNA positions 554 to 555, TG replaced by GCCATGCATGCCA.
Protein change: p.Met185fs; shifts the reading frame from methionine 185.
Molecular consequence: frameshift variant.
Genome position (GRCh38, 1-based): chr6:73,638,470-73,638,471, CA replaced by TGGCATGCATGGC on the plus strand (TG replaced by GCCATGCATGCCA on the coding strand, the reverse complement: SLC17A5 is on the minus strand). VCF-style: chr6-73638470-CA-TGGCATGCATGGC. GRCh37 (hg19) VCF-style: chr6-74348193-CA-TGGCATGCATGGC.
Other names: c.323_324delinsGCCATGCATGCCA, p.Met108fs (NM_001382629.1, NM_001382636.1); c.554_555delinsGCCATGCATGCCA, p.Met185fs (NM_001382630.1, NM_001382632.1, NM_001382633.1 and 2 more transcripts); c.575_576delinsGCCATGCATGCCA, p.Met192fs (NM_001382631.1); short protein forms M108fs, M185fs, M192fs.
Identifiers: ClinVar variation 5013871 (VCV005013871.1).